The following is an entry in ClinVar:

ClinVar aggregate classification (germline): Pathogenic/Likely pathogenic. Review status: criteria provided, multiple submitters, no conflicts (2 of 4 stars). 3 submissions from 3 submitters: Pathogenic (2); Likely pathogenic (1). Last evaluated 2026-07-15.

Conditions:
COL18A1-related disorder. Also called: COL18A1-related disorders; COL18A1-related condition.
Knobloch syndrome (KNO). Also called: RETINAL DETACHMENT AND OCCIPITAL ENCEPHALOCELE; Myopia retinal detachment encephalocele. Identifiers: Orphanet 1571, MedGen C1849409, MONDO:0800166.

Allele frequency attached by ClinVar (database versions not stated): gnomAD exomes below 0.00001 and 0.00001.

Submissions (3):

PreventionGenetics, part of Exact Sciences
Classification: Likely pathogenic for COL18A1-related condition. Last evaluated: 2026-07-15. Review status: criteria provided, single submitter. Criteria: ACMG Guidelines, 2015. Collection method: clinical testing. Allele origin: germline.
Comment: The COL18A1 c.3206_3207insT variant is predicted to result in a frameshift and premature protein termination (p.Gly1072Argfs*9). To our knowledge, this variant has not been reported in the literature. This variant is present in 0.0041% of alleles in individuals of South Asian descent in gnomAD. Frameshift variants in COL18A1 are an established mechanism of disease. This variant is interpreted as likely pathogenic.

Mendelics
Classification: Pathogenic for Knobloch syndrome 1. Last evaluated: 2022-05-04. Review status: criteria provided, single submitter. Criteria: Mendelics Assertion Criteria 2019. Collection method: clinical testing. Allele origin: germline.

Labcorp Genetics (formerly Invitae), Labcorp
Classification: Pathogenic. Last evaluated: 2022-04-19. Review status: criteria provided, single submitter. Criteria: Invitae Variant Classification Sherloc (09022015). Collection method: clinical testing. Allele origin: germline.
Comment: For these reasons, this variant has been classified as Pathogenic. This sequence change creates a premature translational stop signal (p.Gly892Argfs*9) in the COL18A1 gene. It is expected to result in an absent or disrupted protein product. Loss-of-function variants in COL18A1 are known to be pathogenic (PMID: 12415512, 25456301). This variant is present in population databases (no rsID available, gnomAD 0.004%). This premature translational stop signal has been observed in individual(s) with Knobloch syndrome (PMID: 23667181).

Literature cited by the submitters: PubMed 12415512 (cited by Labcorp Genetics (formerly Invitae), Labcorp); PubMed 25456301 (cited by Labcorp Genetics (formerly Invitae), Labcorp); PubMed 23667181 (cited by Labcorp Genetics (formerly Invitae), Labcorp).

NM_001379500.1(COL18A1):c.2666_2667insT (p.Gly892fs)

Gene: COL18A1 (collagen type XVIII alpha 1 chain; plus strand). Cytogenetic location: 21q22.3.
Variant type: Insertion.
Coding change: c.2666_2667insT on transcript NM_001379500.1 (MANE Select); coding-DNA positions 2666 to 2667, T inserted.
Protein change: p.Gly892fs; shifts the reading frame from glycine 892.
Molecular consequence: frameshift variant.
Genome position: GRCh38 VCF-style: chr21-45497644-G-GT. GRCh37 (hg19) VCF-style: chr21-46917558-G-GT.
Other names: c.3206_3207insT (NM_030582.3); c.3206_3207insT, p.Gly1072fs (NM_030582.4); c.3911_3912insT, p.Gly1307fs (NM_130444.3); short protein forms G1072fs, G1307fs, G892fs.
Identifiers: ClinVar variation 1685646 (VCV001685646.7), dbSNP rs1568930288, ClinGen allele CA638165359.